The following is an entry in ClinVar:

ClinVar aggregate classification (germline): Uncertain significance. Review status: criteria provided, multiple submitters, no conflicts (2 of 4 stars). 2 submissions from 2 submitters: Uncertain significance (2). Last evaluated 2025-05-01.

Conditions:
Anemia, congenital dyserythropoietic, type 1a (CDAN1A). Also called: DYSERYTHROPOIETIC ANEMIA, CONGENITAL, TYPE Ia; CDAN1-Related Congenital Dyserythropoietic Anemia. Identifiers: MedGen C5574667, MONDO:0009135, OMIM 224120.

gnomAD v4.1: 1 of 1,614,176 alleles (0.000062%); no homozygotes.

Submissions (2):

Labcorp Genetics (formerly Invitae), Labcorp
Classification: Uncertain significance. Last evaluated: 2025-05-01. Review status: criteria provided, single submitter. Criteria: Invitae Variant Classification Sherloc (09022015). Collection method: clinical testing. Allele origin: germline.
Comment: This sequence change replaces asparagine, which is neutral and polar, with threonine, which is neutral and polar, at codon 1139 of the CDAN1 protein (p.Asn1139Thr). This variant is not present in population databases (gnomAD no frequency). This variant has not been reported in the literature in individuals affected with CDAN1-related conditions. ClinVar contains an entry for this variant (Variation ID: 2688736). An algorithm developed to predict the effect of missense changes on protein structure and function (PolyPhen-2) suggests that this variant is likely to be disruptive. In summary, the available evidence is currently insufficient to determine the role of this variant in disease. Therefore, it has been classified as a Variant of Uncertain Significance.

Revvity Omics, Revvity
Classification: Uncertain significance for Anemia, congenital dyserythropoietic, type 1a. Last evaluated: 2023-04-26. Review status: criteria provided, single submitter. Criteria: ACMG Guidelines, 2015. Collection method: clinical testing. Allele origin: germline.

NM_138477.4(CDAN1):c.3416A>C (p.Asn1139Thr)

Gene: CDAN1 (codanin 1; minus strand). Cytogenetic location: 15q15.2.
Variant type: single nucleotide variant.
Coding change: c.3416A>C on transcript NM_138477.4 (MANE Select); coding-DNA position 3416, A replaced by C.
Protein change: p.Asn1139Thr; replaces asparagine 1139 with threonine.
Molecular consequence: missense variant.
Genome position (GRCh38, 1-based): chr15:42,725,523, T>G on the plus strand (A>C on the coding strand, the complement: CDAN1 is on the minus strand). VCF-style: chr15-42725523-T-G. GRCh37 (hg19) VCF-style: chr15-43017721-T-G.
Other names: short protein forms N1139T.
Identifiers: ClinVar variation 2688736 (VCV002688736.5), dbSNP rs1595848290, ClinGen allele CA392027482.